The following is an entry in ClinVar:

NM_000260.4(MYO7A):c.2695-58C>G

Gene: MYO7A (myosin VIIA; plus strand). Cytogenetic location: 11q13.5.
Variant type: single nucleotide variant.
Coding change: c.2695-58C>G on transcript NM_000260.4 (MANE Select); 58 bases into the intron before coding-DNA position 2695, C replaced by G.
Molecular consequence: intron variant.
Genome position (GRCh38, 1-based): chr11:77,181,322, C>G. VCF-style: chr11-77181322-C-G. GRCh37 (hg19) VCF-style: chr11-76892368-C-G.
Other names: c.2662-58C>G (NM_001369365.1); c.2695-58C>G (NM_001127180.2).
Identifiers: ClinVar variation 670356 (VCV000670356.5), dbSNP rs3740762, ClinGen allele CA13464824.
Genomic context (GRCh38, chr11:77,181,322, plus strand): 5'-TCAGGAGGTGGGGACTGAGGCCCTGGCTGCTGCAGGGGCTCCCCAGGGAGAGCTTGTTCC[C>G]TGAGGCTGTGGCACCGGGGGCTGACCCCGTGTCTTCTGTGTCACCCCAATTGCCCAGGAG-3'

ClinVar aggregate classification (germline): Benign. Review status: criteria provided, multiple submitters, no conflicts (2 of 4 stars). 5 submissions from 3 submitters: Benign (5). Last evaluated 2021-07-01.

Conditions:
Usher syndrome type 1 (USH1). Also called: RETINITIS PIGMENTOSA AND CONGENITAL DEAFNESS. Identifiers: Orphanet 231169, Orphanet 886, MedGen C1568247, MONDO:0010168, OMIM 276900.
Autosomal dominant nonsyndromic hearing loss 11. Identifiers: Orphanet 90635, MedGen C1832475, MONDO:0011032, OMIM 601317.
Autosomal recessive nonsyndromic hearing loss 2. Also called: DEAFNESS, AUTOSOMAL RECESSIVE 2; NEUROSENSORY NONSYNDROMIC RECESSIVE DEAFNESS 2. Identifiers: Orphanet 90636, MedGen C1838701, MONDO:0010807, OMIM 600060.

Allele frequency attached by ClinVar (database versions not stated): 1000 Genomes Project 0.51837; 1000 Genomes Project 30x 0.52202; TOPMed 0.56158.
gnomAD v4.1: 803,407 of 1,467,216 alleles (55%); highest among the groups gnomAD compares: Admixed American, 64%; 222,634 homozygotes.

Submissions (5):

Genome-Nilou Lab
Classification: Benign for Autosomal dominant nonsyndromic hearing loss 11. Last evaluated: 2021-07-01. Review status: criteria provided, single submitter. Criteria: ACMG Guidelines, 2015. Collection method: clinical testing. Allele origin: germline. Affected: no.

Genome-Nilou Lab
Classification: Benign for Autosomal recessive nonsyndromic hearing loss 2. Last evaluated: 2021-07-01. Review status: criteria provided, single submitter. Criteria: ACMG Guidelines, 2015. Collection method: clinical testing. Allele origin: germline. Affected: no.

Genome-Nilou Lab
Classification: Benign for Usher syndrome type 1. Last evaluated: 2021-07-01. Review status: criteria provided, single submitter. Criteria: ACMG Guidelines, 2015. Collection method: clinical testing. Allele origin: germline. Affected: no.

GeneDx
Classification: Benign. Last evaluated: 2018-06-13. Review status: criteria provided, single submitter. Criteria: GeneDx Variant Classification (06012015). Collection method: clinical testing. Allele origin: germline. Affected: yes.
Comment: This variant is considered likely benign or benign based on one or more of the following criteria: it is a conservative change, it occurs at a poorly conserved position in the protein, it is predicted to be benign by multiple in silico algorithms, and/or has population frequency not consistent with disease.

Breakthrough Genomics
Classification: Benign. Review status: criteria provided, single submitter. Criteria: ACMG Guidelines, 2015. Collection method: not provided. Allele origin: germline. Inheritance: Autosomal recessive inheritance. Affected: yes.